The following is an entry in ClinVar:

ClinVar aggregate classification (germline): Conflicting classifications of pathogenicity. Review status: criteria provided, conflicting classifications (1 of 4 stars). 2 submissions from 2 submitters: Uncertain significance (1); Likely benign (1). Last evaluated 2024-09-19.

Allele frequency attached by ClinVar (database versions not stated): ExAC 0.00015.
gnomAD v4.1: 135 of 1,614,078 alleles (0.0084%); highest among the groups gnomAD compares: Middle Eastern, 0.25%; 1 homozygote.

Submissions (2):

Blueprint Genetics
Classification: Uncertain significance. Last evaluated: 2024-09-19. Review status: criteria provided, single submitter. Criteria: ACMG Guidelines, 2015. Collection method: clinical testing. Allele origin: germline.

CeGaT Center for Human Genetics Tuebingen
Classification: Likely benign. Last evaluated: 2023-09-01. Review status: criteria provided, single submitter. Criteria: CeGaT Center For Human Genetics Tuebingen Variant Classification Criteria Version 2. Collection method: clinical testing. Allele origin: germline. Affected: yes. Observed: 3 variant alleles.
Comment: MASP1: BP4, BS2

NM_001879.6(MASP1):c.1984C>T (p.Leu662=)

Gene: MASP1 (MBL associated serine protease 1; minus strand). Cytogenetic location: 3q27.3.
Variant type: single nucleotide variant.
Coding change: c.1984C>T on transcript NM_001879.6 (MANE Plus Clinical); coding-DNA position 1984, C replaced by T.
Protein change: p.Leu662=; no amino-acid change (leucine 662 retained).
Molecular consequence: synonymous variant.
Genome position (GRCh38, 1-based): chr3:187,220,187, G>A on the plus strand (C>T on the coding strand, the complement: MASP1 is on the minus strand). VCF-style: chr3-187220187-G-A. GRCh37 (hg19) VCF-style: chr3-186937975-G-A.
Identifiers: ClinVar variation 1298947 (VCV001298947.35), dbSNP rs753779999, ClinGen allele CA2748698.